The following is an entry in ClinVar:

ClinVar aggregate classification (germline): Uncertain significance (1 of 4 stars; one submission).

Submission:

Labcorp Genetics (formerly Invitae), Labcorp
Classification: Uncertain significance. Last evaluated: 2025-10-04. Review status: criteria provided, single submitter. Criteria: Invitae Variant Classification Sherloc (09022015). Collection method: clinical testing. Allele origin: germline.
Comment: This sequence change falls in intron 1 of the NDUFAF5 gene. It does not directly change the encoded amino acid sequence of the NDUFAF5 protein. It affects a nucleotide within the consensus splice site. This variant is not present in population databases (gnomAD no frequency). This variant has not been reported in the literature in individuals affected with NDUFAF5-related conditions. Variants that disrupt the consensus splice site are a relatively common cause of aberrant splicing (PMID: 17576681, 9536098). Algorithms developed to predict the effect of sequence changes on RNA splicing suggest that this variant is not likely to affect RNA splicing. In summary, the available evidence is currently insufficient to determine the role of this variant in disease. Therefore, it has been classified as a Variant of Uncertain Significance.

Literature cited by the submitters: PubMed 17576681; PubMed 9536098.

NM_024120.5(NDUFAF5):c.222+6C>G

Gene: NDUFAF5 (NADH:ubiquinone oxidoreductase complex assembly factor 5; plus strand). Cytogenetic location: 20p12.1.
Variant type: single nucleotide variant.
Coding change: c.222+6C>G on transcript NM_024120.5 (MANE Select); 6 bases into the intron after coding-DNA position 222, C replaced by G.
Molecular consequence: intron variant.
Genome position (GRCh38, 1-based): chr20:13,785,296, C>G. VCF-style: chr20-13785296-C-G. GRCh37 (hg19) VCF-style: chr20-13765942-C-G.
Other names: c.-474+6C>G (NM_001352407.2); c.-360+6C>G (NM_001352406.2); c.222+6C>G (NM_001039375.3, NM_001352408.2); c.-146+6C>G (NM_001352403.2).
Identifiers: ClinVar variation 4728434 (VCV004728434.1).